The following is an entry in ClinVar:

NM_005732.4(RAD50):c.3109G>A (p.Glu1037Lys)

Gene: RAD50 (RAD50 double strand break repair protein; plus strand). Cytogenetic location: 5q31.1.
Variant type: single nucleotide variant.
Coding change: c.3109G>A on transcript NM_005732.4 (MANE Select); coding-DNA position 3109, G replaced by A.
Protein change: p.Glu1037Lys; replaces glutamic acid 1037 with lysine.
Molecular consequence: missense variant.
Genome position (GRCh38, 1-based): chr5:132,616,075, G>A. VCF-style: chr5-132616075-G-A. GRCh37 (hg19) VCF-style: chr5-131951767-G-A.
Other names: short protein forms E1037K.
Identifiers: ClinVar variation 230521 (VCV000230521.5), dbSNP rs876658612, ClinGen allele CA10578592.

ClinVar aggregate classification (germline): Uncertain significance (1 of 4 stars; one submission).

Conditions:
Hereditary cancer-predisposing syndrome. Also called: Neoplastic Syndromes, Hereditary; Tumor predisposition; Hereditary Cancer Syndrome; Hereditary neoplastic syndrome. Identifiers: Orphanet 140162, MedGen C0027672, MeSH D009386, MONDO:0015356.

Submission:

Ambry Genetics
Classification: Uncertain significance for Hereditary cancer-predisposing syndrome. Last evaluated: 2015-02-26. Review status: criteria provided, single submitter. Criteria: Ambry Variant Classification Scheme 2023. Collection method: clinical testing. Allele origin: germline.
Comment: The p.E1037K variant (also known as c.3109G>A), located in coding exon 20 of the RAD50 gene, results from a G to A substitution at nucleotide position 3109. The glutamic acid at codon 1037 is replaced by lysine, an amino acid with similar properties. This variant was not reported in population based cohorts in the following databases: Database of Single Nucleotide Polymorphisms (dbSNP), NHLBI Exome Sequencing Project (ESP), and 1000 Genomes Project. In the ESP, this variant was not observed in 6501 samples (13002 alleles) with coverage at this position. To date, this alteration has been detected with an allele frequency of approximately 0.003% (greater than 40000 alleles tested) in our clinical cohort. This amino acid position is well conserved in available vertebrate species. In addition, this alteration is predicted to be tolerated by in silico analysis. Since supporting evidence is limited at this time, the clinical significance of p.E1037K remains unclear.